The following is an entry in ClinVar:

ClinVar aggregate classification (germline): Uncertain significance (1 of 4 stars; one submission).

Conditions:
Malignant hyperthermia, susceptibility to, 1 (MHS1). Also called: Anesthesia related hyperthermia; Malignant hyperpyrexia; Fulminating hyperpyrexia; Pharmacogenic myopathy; RYR1-Related Malignant Hyperthermia Susceptibility; Malignant hyperthermia suceptibility 1. Identifiers: Orphanet 423, MedGen C2930980, MONDO:0007783, OMIM 145600.

Submission:

All of Us Research Program, National Institutes of Health
Classification: Uncertain significance for Malignant hyperthermia, susceptibility to, 1. Last evaluated: 2023-10-06. Review status: criteria provided, single submitter. Criteria: ACMG Guidelines, 2015. Collection method: clinical testing. Allele origin: germline. Inheritance: Autosomal dominant inheritance. Observed: 1 variant allele, 1 heterozygote.
Comment: This missense variant replaces asparagine with lysine at codon 2324 of the RYR1 protein. Computational prediction suggests that this variant may not impact protein structure and function (internally defined REVEL score threshold <= 0.5, PMID: 27666373). To our knowledge, functional studies have not been reported for this variant. This variant has not been reported in individuals affected with RYR1-related disorders in the literature. This variant has not been identified in the general population by the Genome Aggregation Database (gnomAD). The available evidence is insufficient to determine the role of this variant in disease conclusively. Therefore, this variant is classified as a Variant of Uncertain Significance.

This study involves interpretation of variants in research participants for the purpose of population health screening. Participant phenotype was not available at the time of variant classification. Additional details can be found in publication PMID: 35346344, PMCID: PMC8962531

NM_000540.3(RYR1):c.6972C>A (p.Asn2324Lys)

Gene: RYR1 (ryanodine receptor 1; plus strand). Cytogenetic location: 19q13.2.
Variant type: single nucleotide variant.
Coding change: c.6972C>A on transcript NM_000540.3 (MANE Select); coding-DNA position 6972, C replaced by A.
Protein change: p.Asn2324Lys; replaces asparagine 2324 with lysine.
Molecular consequence: missense variant.
Genome position (GRCh38, 1-based): chr19:38,499,188, C>A. VCF-style: chr19-38499188-C-A. GRCh37 (hg19) VCF-style: chr19-38989828-C-A.
Other names: c.6972C>A, p.Asn2324Lys (NM_001042723.2); short protein forms N2324K.
Identifiers: ClinVar variation 3073765 (VCV003073765.1), dbSNP rs936478429, ClinGen allele CA405667336.